The following is an entry in ClinVar:

NM_000525.4(KCNJ11):c.828C>A (p.His276Gln)

Gene: KCNJ11 (potassium inwardly rectifying channel subfamily J member 11; minus strand). Cytogenetic location: 11p15.1.
Variant type: single nucleotide variant.
Coding change: c.828C>A on transcript NM_000525.4 (MANE Select); coding-DNA position 828, C replaced by A.
Protein change: p.His276Gln; replaces histidine 276 with glutamine.
Molecular consequence: missense variant.
Genome position (GRCh38, 1-based): chr11:17,387,264, G>T on the plus strand (C>A on the coding strand, the complement: KCNJ11 is on the minus strand). VCF-style: chr11-17387264-G-T. GRCh37 (hg19) VCF-style: chr11-17408811-G-T.
Other names: c.567C>A, p.His189Gln (NM_001166290.2, NM_001377296.1, NM_001377297.1); c.828C>A (NM_000525.3); short protein forms H189Q, H276Q.
Identifiers: ClinVar variation 2969579 (VCV002969579.4), dbSNP rs764950479, ClinGen allele CA379770445.

ClinVar aggregate classification (germline): Uncertain significance. Review status: criteria provided, single submitter (1 of 4 stars). 2 submissions from 2 submitters: Uncertain significance (1). 1 of the submissions does not count toward it. Last evaluated 2023-04-14.

Conditions:
Permanent neonatal diabetes mellitus (PNDM). Identifiers: Orphanet 99885, MedGen C1833104, MONDO:0100164, MONDO:0011643. Disease mechanism: gain of function.

Allele frequency attached by ClinVar (database versions not stated): TOPMed 0.00001.
gnomAD v4.1: 1 of 1,614,194 alleles (0.000062%); highest among the groups gnomAD compares: Non-Finnish European, 0.000085%; no homozygotes.

Submissions (2):

Labcorp Genetics (formerly Invitae), Labcorp
Classification: Uncertain significance. Last evaluated: 2023-04-14. Review status: criteria provided, single submitter. Criteria: Invitae Variant Classification Sherloc (09022015). Collection method: clinical testing. Allele origin: germline.
Comment: In summary, the available evidence is currently insufficient to determine the role of this variant in disease. Therefore, it has been classified as a Variant of Uncertain Significance. Advanced modeling of protein sequence and biophysical properties (such as structural, functional, and spatial information, amino acid conservation, physicochemical variation, residue mobility, and thermodynamic stability) performed at Invitae indicates that this missense variant is not expected to disrupt KCNJ11 protein function. This variant has not been reported in the literature in individuals affected with KCNJ11-related conditions. This variant is not present in population databases (gnomAD no frequency). This sequence change replaces histidine, which is basic and polar, with glutamine, which is neutral and polar, at codon 276 of the KCNJ11 protein (p.His276Gln).

Natera, Inc.
Classification: Uncertain significance for Permanent neonatal diabetes mellitus. Last evaluated: 2025-02-03. Review status: no assertion criteria provided. Collection method: clinical testing. Allele origin: germline. Not counted in ClinVar's aggregate classification.